The following is an entry in ClinVar:

ClinVar aggregate classification (germline): Uncertain significance. Review status: criteria provided, multiple submitters, no conflicts (2 of 4 stars). 2 submissions from 2 submitters: Uncertain significance (2). Last evaluated 2025-02-06.

Conditions:
Dilated cardiomyopathy 1DD (CMD1DD). Identifiers: Orphanet 154, MedGen C2750995, MONDO:0013168, OMIM 613172.

Allele frequency attached by ClinVar (database versions not stated): gnomAD exomes below 0.00001; TOPMed below 0.00001; gnomAD 0.00001.
gnomAD v4.1: 3 of 1,551,596 alleles (0.00019%); highest among the groups gnomAD compares: Non-Finnish European, 0.00017%; no homozygotes.

Submissions (2):

Labcorp Genetics (formerly Invitae), Labcorp
Classification: Uncertain significance for Dilated cardiomyopathy 1DD. Last evaluated: 2025-02-06. Review status: criteria provided, single submitter. Criteria: Invitae Variant Classification Sherloc (09022015). Collection method: clinical testing. Allele origin: germline.
Comment: This sequence change replaces proline, which is neutral and non-polar, with serine, which is neutral and polar, at codon 664 of the RBM20 protein (p.Pro664Ser). This variant is not present in population databases (gnomAD no frequency). This variant has not been reported in the literature in individuals affected with RBM20-related conditions. ClinVar contains an entry for this variant (Variation ID: 1368291). Invitae Evidence Modeling of protein sequence and biophysical properties (such as structural, functional, and spatial information, amino acid conservation, physicochemical variation, residue mobility, and thermodynamic stability) indicates that this missense variant is not expected to disrupt RBM20 protein function with a negative predictive value of 95%. In summary, the available evidence is currently insufficient to determine the role of this variant in disease. Therefore, it has been classified as a Variant of Uncertain Significance.

Fulgent Genetics
Classification: Uncertain significance for Dilated cardiomyopathy 1DD. Last evaluated: 2021-10-13. Review status: criteria provided, single submitter. Criteria: ACMG Guidelines, 2015. Collection method: clinical testing. Allele origin: unknown.

NM_001134363.3(RBM20):c.1990C>T (p.Pro664Ser)

Gene: RBM20 (RNA binding motif protein 20; plus strand). Cytogenetic location: 10q25.2.
Variant type: single nucleotide variant.
Coding change: c.1990C>T on transcript NM_001134363.3 (MANE Select); coding-DNA position 1990, C replaced by T.
Protein change: p.Pro664Ser; replaces proline 664 with serine.
Molecular consequence: missense variant.
Genome position (GRCh38, 1-based): chr10:110,812,387, C>T. VCF-style: chr10-110812387-C-T. GRCh37 (hg19) VCF-style: chr10-112572145-C-T.
Other names: short protein forms P664S.
Identifiers: ClinVar variation 1368291 (VCV001368291.9), dbSNP rs1279998131, ClinGen allele CA378370770.